The following is an entry in ClinVar:

ClinVar aggregate classification (germline): Uncertain significance (1 of 4 stars; one submission).

Submission:

Labcorp Genetics (formerly Invitae), Labcorp
Classification: Uncertain significance. Last evaluated: 2025-09-16. Review status: criteria provided, single submitter. Criteria: Invitae Variant Classification Sherloc (09022015). Collection method: clinical testing. Allele origin: germline.
Comment: This sequence change affects a splice site in intron 25 of the FBN3 gene. It is expected to disrupt RNA splicing. Variants that disrupt the donor or acceptor splice site typically lead to a loss of protein function (PMID: 16199547), however the current clinical and genetic evidence is not sufficient to establish whether loss-of-function variants in FBN3 cause disease. This variant is not present in population databases (gnomAD no frequency). This variant has not been reported in the literature in individuals affected with FBN3-related conditions. Algorithms developed to predict the effect of sequence changes on RNA splicing suggest that this variant may disrupt the consensus splice site. In summary, the available evidence is currently insufficient to determine the role of this variant in disease. Therefore, it has been classified as a Variant of Uncertain Significance.

Literature cited by the submitters: PubMed 16199547.

NM_032447.5(FBN3):c.3211+1del

Gene: FBN3 (fibrillin 3; minus strand). Cytogenetic location: 19p13.2.
Variant type: Deletion.
Coding change: c.3211+1del on transcript NM_032447.5 (MANE Select); the canonical splice donor site of the intron after coding-DNA position 3211, one base deleted (G; older notation c.3211+1delG).
Molecular consequence: splice donor variant.
Genome position (GRCh38, 1-based): chr19:8,121,257, C deleted on the plus strand (G on the coding strand, the reverse complement: FBN3 is on the minus strand); the first of 3 consecutive C bases (chr19:8,121,257-8,121,259); deleting any one gives the same sequence. VCF-style (leftmost placement, unchanged base first): chr19-8121256-AC-A. GRCh37 (hg19) VCF-style: chr19-8186140-AC-A.
Other names: c.3211+1del (NM_001321431.2).
Identifiers: ClinVar variation 4727233 (VCV004727233.1).